The following is an entry in ClinVar:

ClinVar aggregate classification (germline): Uncertain significance (1 of 4 stars; one submission).

Submission:

Labcorp Genetics (formerly Invitae), Labcorp
Classification: Uncertain significance. Last evaluated: 2023-08-24. Review status: criteria provided, single submitter. Criteria: Invitae Variant Classification Sherloc (09022015). Collection method: clinical testing. Allele origin: germline.
Comment: In summary, the available evidence is currently insufficient to determine the role of this variant in disease. Therefore, it has been classified as a Variant of Uncertain Significance. Experimental studies and prediction algorithms are not available or were not evaluated, and the functional significance of this variant is currently unknown. ClinVar contains an entry for this variant (Variation ID: 1905151). This variant has not been reported in the literature in individuals affected with ZSWIM6-related conditions. This variant is not present in population databases (gnomAD no frequency). This sequence change disrupts the translational stop signal of the ZSWIM6 mRNA. It is expected to extend the length of the ZSWIM6 protein by 1 additional amino acid residues.

NM_020928.2(ZSWIM6):c.3646T>G (p.Ter1216Gly)

Gene: ZSWIM6 (zinc finger SWIM-type containing 6; plus strand). Cytogenetic location: 5q12.1.
Variant type: single nucleotide variant.
Coding change: c.3646T>G on transcript NM_020928.2 (MANE Select); coding-DNA position 3646, T replaced by G.
Protein change: p.Ter1216Gly.
Molecular consequence: stop lost.
Genome position (GRCh38, 1-based): chr5:61,544,315, T>G. VCF-style: chr5-61544315-T-G. GRCh37 (hg19) VCF-style: chr5-60840142-T-G.
Identifiers: ClinVar variation 1905151 (VCV001905151.5), dbSNP rs2478410341, ClinGen allele CA359948091.
Genomic context (GRCh38, chr5:61,544,315, plus strand): 5'-CTGAAACAAATCTACAAAGGCAAAAAGAAACTGATGATGTTGGTTCGGGAGAGGTTTGGT[T>G]GATAGATCTTGTATGAATGGGGTGGGGGGTGGGGATGGGAGGGATGGTTTGTTTTTACTT-3'